The following is an entry in ClinVar:

NM_014994.3(MAPKBP1):c.3335C>T (p.Ser1112Leu)

Gene: MAPKBP1 (mitogen-activated protein kinase binding protein 1; plus strand). Cytogenetic location: 15q15.1.
Variant type: single nucleotide variant.
Coding change: c.3335C>T on transcript NM_014994.3 (MANE Select); coding-DNA position 3335, C replaced by T.
Protein change: p.Ser1112Leu; replaces serine 1112 with leucine.
Molecular consequence: missense variant. On other transcripts: non-coding transcript variant (2).
Genome position (GRCh38, 1-based): chr15:41,822,959, C>T. VCF-style: chr15-41822959-C-T. GRCh37 (hg19) VCF-style: chr15-42115157-C-T.
Other names: c.3353C>T, p.Ser1118Leu (NM_001128608.2); c.3335C>T, p.Ser1112Leu (NM_001265611.2); short protein forms S1112L, S1118L.
Identifiers: ClinVar variation 4689988 (VCV004689988.1).

ClinVar aggregate classification (germline): Uncertain significance (1 of 4 stars; one submission).

gnomAD v4.1: 324 of 1,611,836 alleles (0.02%); highest among the groups gnomAD compares: East Asian, 0.72%; 3 homozygotes.

Submission:

GeneDx
Classification: Uncertain significance. Last evaluated: 2025-07-26. Review status: criteria provided, single submitter. Criteria: GeneDx Variant Classification Process June 2021. Collection method: clinical testing. Allele origin: germline. Affected: yes.
Comment: In silico analysis suggests that this missense variant does not alter protein structure/function; Has not been previously published as pathogenic or benign to our knowledge